The following is an entry in ClinVar:

ClinVar aggregate classification (germline): Uncertain significance (0 of 4 stars; one submission).

Allele frequency attached by ClinVar (database versions not stated): gnomAD exomes below 0.00001; gnomAD 0.00001; TOPMed 0.00002.
gnomAD v4.1: 6 of 1,612,228 alleles (0.00037%); highest among the groups gnomAD compares: Non-Finnish European, 0.00051%; no homozygotes.

Submission:

Department of Pathology and Laboratory Medicine, Sinai Health System
Classification: Uncertain significance. Review status: no assertion criteria provided. Collection method: clinical testing. Allele origin: unknown. Affected: yes. Study: The Canadian Open Genetics Repository (COGR).
Comment: The POLQ p.Gln2537Pro variant was not identified in the literature nor was it identified in ClinVar. The variant was identified in dbSNP (ID: rs1184837633) but was not identified in the following control databases: the 1000 Genomes Project, the NHLBI GO Exome Sequencing Project, or the Genome Aggregation Database (March 6, 2019, v2.1.1). The p.Gln2537 residue is conserved in mammals and computational analyses (PolyPhen-2, SIFT, AlignGVGD, BLOSUM, MutationTaster) provide inconsistent predictions regarding the impact to the protein; this information is not very predictive of pathogenicity. The variant occurs outside of the splicing consensus sequence and in silico or computational prediction software programs (SpliceSiteFinder, MaxEntScan, NNSPLICE, GeneSplicer) do not predict a difference in splicing. In summary, based on the above information the clinical significance of this variant cannot be determined with certainty at this time. This variant is classified as a variant of uncertain significance.

NM_199420.4(POLQ):c.7610A>C (p.Gln2537Pro)

Gene: POLQ (DNA polymerase theta; minus strand). Cytogenetic location: 3q13.33.
Variant type: single nucleotide variant.
Coding change: c.7610A>C on transcript NM_199420.4 (MANE Select); coding-DNA position 7610, A replaced by C.
Protein change: p.Gln2537Pro; replaces glutamine 2537 with proline.
Molecular consequence: missense variant.
Genome position (GRCh38, 1-based): chr3:121,432,967, T>G on the plus strand (A>C on the coding strand, the complement: POLQ is on the minus strand). VCF-style: chr3-121432967-T-G. GRCh37 (hg19) VCF-style: chr3-121151814-T-G.
Other names: short protein forms Q2537P.
Identifiers: ClinVar variation 1050367 (VCV001050367.1), dbSNP rs1184837633, ClinGen allele CA354093731.
Genomic context (GRCh38, chr3:121,432,967, plus strand): 5'-TGCAAAAATACCTGAACAACATCTTCTTCTGCCACTTCATATAGGAGTTCATCATGGAGT[T>G]GAAGGATGAAGAAGCCTCCTCTGATTGGGCAGAACATCCCTTGCAGTTTTCTCTTTCGTG-3'
Protein context (NP_955452.3, residues 2527-2547): CPIRGGFFIL[Gln2537Pro]LHDELLYEVA